The following is an entry in ClinVar:

ClinVar aggregate classification (germline): Uncertain significance (1 of 4 stars; one submission).

Conditions:
Tay-Sachs disease (TSD). Also called: HEXA DEFICIENCY; HEXA Disorders; GM2 gangliosidosis, type 1; Hexosaminidase alpha-subunit deficiency (variant B); Sphingolipidosis, Tay-Sachs; Hexosaminidase A Deficiency. Identifiers: Orphanet 845, MedGen C0039373, MONDO:0010100, OMIM 272800.

gnomAD v4.1: 7 of 1,611,272 alleles (0.00043%); highest among the groups gnomAD compares: Non-Finnish European, 0.00059%; no homozygotes.

Submission:

Labcorp Genetics (formerly Invitae), Labcorp
Classification: Uncertain significance for Tay-Sachs disease. Last evaluated: 2025-06-15. Review status: criteria provided, single submitter. Criteria: Invitae Variant Classification Sherloc (09022015). Collection method: clinical testing. Allele origin: germline.
Comment: This sequence change replaces threonine, which is neutral and polar, with alanine, which is neutral and non-polar, at codon 153 of the HEXA protein (p.Thr153Ala). This variant is not present in population databases (gnomAD no frequency). This variant has not been reported in the literature in individuals affected with HEXA-related conditions. An algorithm developed to predict the effect of missense changes on protein structure and function (PolyPhen-2) suggests that this variant is likely to be tolerated. In summary, the available evidence is currently insufficient to determine the role of this variant in disease. Therefore, it has been classified as a Variant of Uncertain Significance.

NM_000520.6(HEXA):c.457A>G (p.Thr153Ala)

Gene: HEXA (hexosaminidase subunit alpha; minus strand). Cytogenetic location: 15q23.
Variant type: single nucleotide variant.
Coding change: c.457A>G on transcript NM_000520.6 (MANE Select); coding-DNA position 457, A replaced by G.
Protein change: p.Thr153Ala; replaces threonine 153 with alanine.
Molecular consequence: missense variant. On other transcripts: non-coding transcript variant (1).
Genome position (GRCh38, 1-based): chr15:72,353,693, T>C on the plus strand (A>G on the coding strand, the complement: HEXA is on the minus strand). VCF-style: chr15-72353693-T-C. GRCh37 (hg19) VCF-style: chr15-72646034-T-C.
Other names: c.490A>G, p.Thr164Ala (NM_001318825.2); short protein forms T153A, T164A.
Identifiers: ClinVar variation 4806000 (VCV004806000.1).